The following is an entry in ClinVar:

NM_018932.4(PCDHB12):c.1086G>A (p.Glu362=)

Genes: PCDHB12 (protocadherin beta 12; plus strand), PCDHB@ (protocadherin beta cluster; plus strand). Cytogenetic location: 5q31.3.
Variant type: single nucleotide variant.
Coding change: c.1086G>A on transcript NM_018932.4 (MANE Select); coding-DNA position 1086, G replaced by A.
Protein change: p.Glu362=; no amino-acid change (glutamic acid 362 retained).
Molecular consequence: synonymous variant.
Genome position (GRCh38, 1-based): chr5:141,209,993, G>A. VCF-style: chr5-141209993-G-A. GRCh37 (hg19) VCF-style: chr5-140589565-G-A.
Identifiers: ClinVar variation 2655832 (VCV002655832.24), dbSNP rs1554286786, ClinGen allele CA447085181.

ClinVar aggregate classification (germline): Likely benign (1 of 4 stars; one submission).

gnomAD v4.1: 1 of 1,614,204 alleles (0.000062%); highest among the groups gnomAD compares: South Asian, 0.0011%; no homozygotes.

Submission:

CeGaT Center for Human Genetics Tuebingen
Classification: Likely benign. Last evaluated: 2022-07-01. Review status: criteria provided, single submitter. Criteria: CeGaT Center For Human Genetics Tuebingen Variant Classification Criteria Version 2. Collection method: clinical testing. Allele origin: germline. Affected: yes. Observed: 1 variant allele.
Comment: PCDHB12: PM2:Supporting, BP4, BP7